The following is an entry in ClinVar:

NM_181675.4(PPP2R2B):c.571G>T (p.Ala191Ser)

Gene: PPP2R2B (protein phosphatase 2 regulatory subunit Bbeta; minus strand). Cytogenetic location: 5q32.
Variant type: single nucleotide variant.
Coding change: c.571G>T on transcript NM_181675.4 (MANE Select); coding-DNA position 571, G replaced by T.
Protein change: p.Ala191Ser; replaces alanine 191 with serine.
Molecular consequence: missense variant. On other transcripts: non-coding transcript variant (2).
Genome position (GRCh38, 1-based): chr5:146,650,601, C>A on the plus strand (G>T on the coding strand, the complement: PPP2R2B is on the minus strand). VCF-style: chr5-146650601-C-A. GRCh37 (hg19) VCF-style: chr5-146030164-C-A.
Other names: c.589G>T, p.Ala197Ser (NM_001271899.1); c.745G>T, p.Ala249Ser (NM_001271900.2); c.538G>T, p.Ala180Ser (NM_001271948.2, NM_181678.2); c.769G>T, p.Ala257Ser (NM_181674.3); c.580G>T, p.Ala194Ser (NM_181676.3); c.511G>T, p.Ala171Ser (NM_181677.2); short protein forms A171S, A180S, A191S, A194S, A197S, A249S, A257S.
Identifiers: ClinVar variation 1049044 (VCV001049044.3), dbSNP rs143485788, ClinGen allele CA3492693.

ClinVar aggregate classification (germline): Likely benign. Review status: no assertion criteria provided (0 of 4 stars). 2 submissions from 2 submitters: Likely benign (2). Last evaluated 2019-06-06.

Conditions:
PPP2R2B-related disorder. Also called: PPP2R2B-related condition.

Allele frequency attached by ClinVar (database versions not stated): TOPMed 0.00113; ExAC 0.00035; 1000 Genomes Project 30x 0.00062; ESP Exome Variant Server 0.00069; 1000 Genomes Project 0.00080.
gnomAD v4.1: 275 of 1,613,928 alleles (0.017%); highest among the groups gnomAD compares: African/African-American, 0.33%; no homozygotes.

Submissions (2):

PreventionGenetics, part of Exact Sciences
Classification: Likely benign for PPP2R2B-related condition. Last evaluated: 2019-06-06. Review status: no assertion criteria provided. Collection method: clinical testing. Allele origin: germline.
Comment: This variant is classified as likely benign based on ACMG/AMP sequence variant interpretation guidelines (Richards et al. 2015 PMID: 25741868, with internal and published modifications).

Department of Pathology and Laboratory Medicine, Sinai Health System
Classification: Likely benign. Review status: no assertion criteria provided. Collection method: clinical testing. Allele origin: unknown. Affected: yes. Study: The Canadian Open Genetics Repository (COGR).
Comment: The PPP2R2B p.Ala180Ser variant was not identified in the literature or in the ClinVar, Cosmic or LOVD 3.0 databases. The variant was identified in dbSNP (ID: rs143485788) and in control databases in 92 of 282368 chromosomes at a frequency of 0.000326 (Genome Aggregation Database Feb 27, 2017). The variant was observed in the following populations: African in 87 of 24954 chromosomes (freq: 0.003486), Latino in 2 of 35398 chromosomes (freq: 0.000057), South Asian in 1 of 30594 chromosomes (freq: 0.000033), European (non-Finnish) in 1 of 128888 chromosomes (freq: 0.000008), and Other in 1 of 7200 chromosomes (freq: 0.000139); it was not observed in the Ashkenazi Jewish, East Asian, and European (Finnish) populations. The p.Ala180 residue is conserved in mammals and computational analyses (PolyPhen-2, SIFT, AlignGVGD, BLOSUM, MutationTaster) provide inconsistent predictions regarding the impact to the protein; this information is not very predictive of pathogenicity. The variant occurs outside of the splicing consensus sequence and in silico or computational prediction software programs (SpliceSiteFinder, MaxEntScan, NNSPLICE, GeneSplicer) do not predict a difference in splicing. In summary, based on the above information the clinical significance of this variant cannot be determined with certainty at this time although we would lean towards a more benign role for this variant. This variant is classified as likely benign.